The following is an entry in ClinVar:

NM_006015.6(ARID1A):c.795C>T (p.Ser265=)

Genes: ARID1A (AT-rich interaction domain 1A; plus strand), LOC129929837 (ATAC-STARR-seq lymphoblastoid silent region 489; plus strand). Cytogenetic location: 1p36.11.
Variant type: single nucleotide variant.
Coding change: c.795C>T on transcript NM_006015.6 (MANE Select); coding-DNA position 795, C replaced by T.
Protein change: p.Ser265=; no amino-acid change (serine 265 retained).
Molecular consequence: synonymous variant.
Genome position (GRCh38, 1-based): chr1:26,697,198, C>T. VCF-style: chr1-26697198-C-T. GRCh37 (hg19) VCF-style: chr1-27023689-C-T.
Other names: c.795C>T, p.Ser265= (NM_139135.4).
Identifiers: ClinVar variation 3045999 (VCV003045999.5), dbSNP rs952139810, ClinGen allele CA19641572.

ClinVar aggregate classification (germline): Likely benign. Review status: criteria provided, multiple submitters, no conflicts (2 of 4 stars). 3 submissions from 3 submitters: Likely benign (2). 1 of the submissions does not count toward it. Last evaluated 2025-03-14.

Conditions:
ARID1A-related disorder. Also called: ARID1A-related condition.

Allele frequency attached by ClinVar (database versions not stated): gnomAD 0.00001; TOPMed 0.00005.
gnomAD v4.1: 38 of 1,421,074 alleles (0.0027%); highest among the groups gnomAD compares: Admixed American, 0.0033%; no homozygotes.

Submissions (3):

Labcorp Genetics (formerly Invitae), Labcorp
Classification: Likely benign. Last evaluated: 2025-03-14. Review status: criteria provided, single submitter. Criteria: Invitae Variant Classification Sherloc (09022015). Collection method: clinical testing. Allele origin: germline.

Blueprint Genetics
Classification: Likely benign. Last evaluated: 2024-11-25. Review status: criteria provided, single submitter. Criteria: ACMG Guidelines, 2015. Collection method: clinical testing. Allele origin: germline.

PreventionGenetics, part of Exact Sciences
Classification: Likely benign for ARID1A-related condition. Last evaluated: 2019-10-30. Review status: no assertion criteria provided. Collection method: clinical testing. Allele origin: germline. Not counted in ClinVar's aggregate classification.
Comment: This variant is classified as likely benign based on ACMG/AMP sequence variant interpretation guidelines (Richards et al. 2015 PMID: 25741868, with internal and published modifications).